The following is an entry in ClinVar:

NM_015205.3(ATP11A):c.151G>A (p.Val51Ile)

Gene: ATP11A (ATPase phospholipid transporting 11A; plus strand). Cytogenetic location: 13q34.
Variant type: single nucleotide variant.
Coding change: c.151G>A on transcript NM_015205.3 (MANE Select); coding-DNA position 151, G replaced by A.
Protein change: p.Val51Ile; replaces valine 51 with isoleucine.
Molecular consequence: missense variant.
Genome position (GRCh38, 1-based): chr13:112,785,246, G>A. VCF-style: chr13-112785246-G-A. GRCh37 (hg19) VCF-style: chr13-113439560-G-A.
Other names: c.151G>A, p.Val51Ile (NM_001405661.1, NM_001405662.1, NM_001405663.1 and 1 more transcripts); short protein forms V51I.
Identifiers: ClinVar variation 4979598 (VCV004979598.1).

ClinVar aggregate classification (germline): Uncertain significance (1 of 4 stars; one submission).

Conditions:
ATP11A-related disorder. Also called: ATP11A-related condition.

gnomAD v4.1: 65 of 1,527,592 alleles (0.0043%); highest among the groups gnomAD compares: Admixed American, 0.0065%; no homozygotes.

Submission:

PreventionGenetics, part of Exact Sciences
Classification: Uncertain significance for ATP11A-related condition. Last evaluated: 2026-06-01. Review status: criteria provided, single submitter. Criteria: ACMG Guidelines, 2015. Collection method: clinical testing. Allele origin: germline.
Comment: The ATP11A c.151G>A variant is predicted to result in the amino acid substitution p.Val51Ile. To our knowledge, this variant has not been reported in the literature. This variant is reported in 0.0096% of alleles in individuals of Latino descent in gnomAD. At this time, the clinical significance of this variant is uncertain due to the absence of conclusive functional and genetic evidence.